The following is an entry in ClinVar:

ClinVar aggregate classification (germline): Likely pathogenic (1 of 4 stars; one submission).

Conditions:
Neurofibromatosis, type 2 (SWNV). Also called: BILATERAL ACOUSTIC NEUROFIBROMATOSIS; NF2-Related Schwannomatosis; SCHWANNOMATOSIS, VESTIBULAR. Identifiers: Orphanet 637, MedGen C0027832, MONDO:0007039, OMIM 101000. Disease mechanism: loss of function.

Submission:

All of Us Research Program, National Institutes of Health
Classification: Likely pathogenic for Neurofibromatosis, type 2. Last evaluated: 2023-06-20. Review status: criteria provided, single submitter. Criteria: ACMG Guidelines, 2015. Collection method: clinical testing. Allele origin: germline. Inheritance: Autosomal dominant inheritance. Observed: 1 variant allele, 1 heterozygote.
Comment: This variant is predicted to result in loss of protein function through nonsense-mediated or protein truncation. Loss of function is an established mechanism of disease. This variant is absent from large population databases, including the Genome Aggregation Database. It has been identified as a somatic mutation in schwannoma samples (PMID: 11809806, 23354516, 32373528).

This study involves interpretation of variants in research participants for the purpose of population health screening. Participant phenotype was not available at the time of variant classification. Additional details can be found in publication PMID: 35346344, PMCID: PMC8962531

Literature cited by the submitters: PubMed 11809806; PubMed 23354516; PubMed 32373528.

NM_000268.4(NF2):c.1593del (p.Ser532fs)

Gene: NF2 (NF2, moesin-ezrin-radixin like (MERLIN) tumor suppressor; plus strand). Cytogenetic location: 22q12.2.
Variant type: Deletion.
Coding change: c.1593del on transcript NM_000268.4 (MANE Select); coding-DNA position 1593, one base deleted (G; older notation c.1593delG).
Protein change: p.Ser532fs; shifts the reading frame from serine 532.
Molecular consequence: frameshift variant. On other transcripts: intron variant (3).
Genome position (GRCh38, 1-based): chr22:29,681,457, G deleted. VCF-style (leftmost placement, unchanged base first): chr22-29681456-AG-A. GRCh37 (hg19) VCF-style: chr22-30077445-AG-A.
Other names: c.1479del, p.Ser494fs (NM_001407053.1, NM_001407056.1); c.1470del, p.Ser491fs (NM_001407054.1, NM_001407058.1, NM_181829.3); c.1467del, p.Ser490fs (NM_001407055.1, NM_181828.3); c.1458del, p.Ser487fs (NM_001407057.1, NM_001407059.1); c.1335del, p.Ser446fs (NM_001407062.1); c.1344del, p.Ser449fs (NM_001407063.1, NM_181830.3, NM_181831.3); c.1059del, p.Ser354fs (NM_001407065.1); c.1593del, p.Ser532fs (NM_001407066.1, NM_016418.5, NM_181825.3 and 1 more transcripts); and 4 more; short protein forms S354fs, S446fs, S449fs, S455fs, S487fs, S490fs, S491fs, S494fs.
Identifiers: ClinVar variation 3071708 (VCV003071708.1), dbSNP rs2518734000, ClinGen allele CA2825002879.